The following is an entry in ClinVar:

ClinVar aggregate classification (germline): Uncertain significance (1 of 4 stars; one submission).

Conditions:
COG7 congenital disorder of glycosylation (CDG2E). Also called: CONGENITAL DISORDER OF GLYCOSYLATION, TYPE IIe; CDG IIe. Identifiers: Orphanet 79333, MedGen C2931010, MONDO:0012118, OMIM 608779.

Allele frequency attached by ClinVar (database versions not stated): TOPMed below 0.00001; gnomAD 0.00001; gnomAD exomes 0.00001.
gnomAD v4.1: 8 of 1,613,798 alleles (0.0005%); highest among the groups gnomAD compares: Non-Finnish European, 0.00068%; no homozygotes.

Submission:

Labcorp Genetics (formerly Invitae), Labcorp
Classification: Uncertain significance for COG7 congenital disorder of glycosylation. Last evaluated: 2022-05-21. Review status: criteria provided, single submitter. Criteria: Invitae Variant Classification Sherloc (09022015). Collection method: clinical testing. Allele origin: germline.
Comment: In summary, the available evidence is currently insufficient to determine the role of this variant in disease. Therefore, it has been classified as a Variant of Uncertain Significance. Algorithms developed to predict the effect of missense changes on protein structure and function (SIFT, PolyPhen-2, Align-GVGD) all suggest that this variant is likely to be disruptive. This variant has not been reported in the literature in individuals affected with COG7-related conditions. This variant is present in population databases (no rsID available, gnomAD 0.002%). This sequence change replaces leucine, which is neutral and non-polar, with proline, which is neutral and non-polar, at codon 718 of the COG7 protein (p.Leu718Pro).

NM_153603.4(COG7):c.2153T>C (p.Leu718Pro)

Gene: COG7 (component of oligomeric golgi complex 7; minus strand). Cytogenetic location: 16p12.2.
Variant type: single nucleotide variant.
Coding change: c.2153T>C on transcript NM_153603.4 (MANE Select); coding-DNA position 2153, T replaced by C.
Protein change: p.Leu718Pro; replaces leucine 718 with proline.
Molecular consequence: missense variant.
Genome position (GRCh38, 1-based): chr16:23,389,080, A>G on the plus strand (T>C on the coding strand, the complement: COG7 is on the minus strand). VCF-style: chr16-23389080-A-G. GRCh37 (hg19) VCF-style: chr16-23400401-A-G.
Other names: short protein forms L718P.
Identifiers: ClinVar variation 1954745 (VCV001954745.3), dbSNP rs1330049754, ClinGen allele CA395116026.
Genomic context (GRCh38, chr16:23,389,080, plus strand): 5'-GTCACGATGTGCTGGAGGGTGCGGGACGGCTGCAGGCCCAGGGCATCCATCACGTTGATC[A>G]GATAGTCTGTGGGGGCGGAGAGGAGACAGACAGAGCTCCACAGACTCAGCACCAAGCAGG-3'
Protein context (NP_705831.1, residues 708-728): AKQLATDIDY[Leu718Pro]INVMDALGLQ